The following is an entry in ClinVar:

NC_000020.11:g.(?_46045858)_(46046456_?)del

Gene: SLC12A5 (solute carrier family 12 member 5; plus strand). Cytogenetic location: 20q13.12.
Variant type: Deletion.
Identifiers: ClinVar variation 833486 (VCV000833486.8).

ClinVar aggregate classification (germline): Pathogenic (1 of 4 stars; one submission).

Conditions:
Developmental and epileptic encephalopathy, 34 (DEE34). Also called: Early infantile epileptic encephalopathy 34; SLC12A5-Related Epilepsy of Infancy with Migrating Focal Seizures. Identifiers: Orphanet 293181, MedGen C4225257, MONDO:0014718, OMIM 616645.

Submission:

Labcorp Genetics (formerly Invitae), Labcorp
Classification: Pathogenic for Developmental and epileptic encephalopathy, 34. Last evaluated: 2022-08-09. Review status: criteria provided, single submitter. Criteria: Invitae Variant Classification Sherloc (09022015). Collection method: clinical testing. Allele origin: germline.
Comment: For these reasons, this variant has been classified as Pathogenic. This variant has not been reported in the literature in individuals affected with SLC12A5-related conditions. This variant is a gross deletion of the genomic region encompassing exon(s) 13-14 of the SLC12A5 gene. This deletion is out-of-frame, and is expected to create a premature termination codon and result in an absent or disrupted protein product. Loss-of-function variants in SLC12A5 are known to be pathogenic (PMID: 26333769, 27436767).

Literature cited by the submitters: PubMed 26333769; PubMed 27436767.